The following is an entry in ClinVar:

ClinVar aggregate classification (germline): Uncertain significance (1 of 4 stars; one submission).

Submission:

GeneDx
Classification: Uncertain significance. Last evaluated: 2022-05-24. Review status: criteria provided, single submitter. Criteria: GeneDx Variant Classification Process June 2021. Collection method: clinical testing. Allele origin: germline. Affected: yes.
Comment: Not observed at significant frequency in large population cohorts (gnomAD); In silico analysis supports that this missense variant has a deleterious effect on protein structure/function; Has not been previously published as pathogenic or benign to our knowledge; This variant is associated with the following publications: (PMID: 22419737, 19782031)

NM_007194.4(CHEK2):c.326T>A (p.Val109Glu)

Gene: CHEK2 (checkpoint kinase 2; minus strand). Cytogenetic location: 22q12.1.
Variant type: single nucleotide variant.
Coding change: c.326T>A on transcript NM_007194.4 (MANE Select); coding-DNA position 326, T replaced by A.
Protein change: p.Val109Glu; replaces valine 109 with glutamic acid.
Molecular consequence: missense variant.
Genome position (GRCh38, 1-based): chr22:28,725,361, A>T on the plus strand (T>A on the coding strand, the complement: CHEK2 is on the minus strand). VCF-style: chr22-28725361-A-T. GRCh37 (hg19) VCF-style: chr22-29121349-A-T.
Other names: c.455T>A, p.Val152Glu (NM_001005735.3); c.-452T>A (NM_001257387.3); c.326T>A, p.Val109Glu (NM_001349956.3, NM_145862.3); short protein forms V109E, V152E.
Identifiers: ClinVar variation 1800927 (VCV001800927.1), dbSNP rs2146071926, ClinGen allele CA411108275.